The following is an entry in ClinVar:

ClinVar aggregate classification (germline): Conflicting classifications of pathogenicity. Review status: criteria provided, conflicting classifications (1 of 4 stars). 7 submissions from 7 submitters: Uncertain significance (5); Likely benign (2). Last evaluated 2026-02-01.

Conditions:
Inborn genetic diseases. Identifiers: MedGen C0950123, MeSH D030342.
Microcephaly-intellectual disability-sensorineural hearing loss-epilepsy-abnormal muscle tone syndrome (NEDHSB). Also called: NEURODEVELOPMENTAL DISORDER WITH HEARING LOSS, SEIZURES, AND BRAIN ABNORMALITIES. Identifiers: Orphanet 457351, MedGen C4225276, MONDO:0014698, OMIM 616577.

Allele frequency attached by ClinVar (database versions not stated): ESP Exome Variant Server 0.00023; ExAC 0.00026; gnomAD exomes 0.00028 and 0.00036; gnomAD 0.00048 and 0.00049; TOPMed 0.00049.
gnomAD v4.1: 639 of 1,600,540 alleles (0.04%); highest among the groups gnomAD compares: Middle Eastern, 1.5%; 3 homozygotes.

Submissions (7):

Labcorp Genetics (formerly Invitae), Labcorp
Classification: Uncertain significance for Microcephaly-intellectual disability-sensorineural hearing loss-epilepsy-abnormal muscle tone syndrome. Last evaluated: 2026-02-01. Review status: criteria provided, single submitter. Criteria: Invitae Variant Classification Sherloc (09022015). Collection method: clinical testing. Allele origin: germline.
Comment: This sequence change replaces proline, which is neutral and non-polar, with serine, which is neutral and polar, at codon 387 of the SPATA5 protein (p.Pro387Ser). This variant is present in population databases (rs201751275, gnomAD 0.06%), including at least one homozygous and/or hemizygous individual. This variant has not been reported in the literature in individuals affected with SPATA5-related conditions. ClinVar contains an entry for this variant (Variation ID: 203535). Invitae Evidence Modeling of protein sequence and biophysical properties (such as structural, functional, and spatial information, amino acid conservation, physicochemical variation, residue mobility, and thermodynamic stability) has been performed for this missense variant. However, the output from this modeling did not meet the statistical confidence thresholds required to predict the impact of this variant on SPATA5 protein function. In summary, the available evidence is currently insufficient to determine the role of this variant in disease. Therefore, it has been classified as a Variant of Uncertain Significance.

Blueprint Genetics
Classification: Likely benign. Last evaluated: 2024-11-18. Review status: criteria provided, single submitter. Criteria: ACMG Guidelines, 2015. Collection method: clinical testing. Allele origin: germline.

Ambry Genetics
Classification: Uncertain significance for Inborn genetic diseases. Last evaluated: 2022-08-19. Review status: criteria provided, single submitter. Criteria: Ambry Variant Classification Scheme 2023. Collection method: clinical testing. Allele origin: germline.

CeGaT Center for Human Genetics Tuebingen
Classification: Uncertain significance. Last evaluated: 2022-05-01. Review status: criteria provided, single submitter. Criteria: CeGaT Center For Human Genetics Tuebingen Variant Classification Criteria Version 2. Collection method: clinical testing. Allele origin: germline. Affected: yes. Observed: 2 variant alleles.

Institute for Clinical Genetics, University Hospital TU Dresden, University Hospital TU Dresden
Classification: Uncertain significance. Last evaluated: 2021-11-03. Review status: criteria provided, single submitter. Criteria: ACMG Guidelines, 2015. Collection method: clinical testing. Allele origin: germline.

Genome-Nilou Lab
Classification: Uncertain significance for Microcephaly-intellectual disability-sensorineural hearing loss-epilepsy-abnormal muscle tone syndrome. Last evaluated: 2021-08-10. Review status: criteria provided, single submitter. Criteria: ACMG Guidelines, 2015. Collection method: clinical testing. Allele origin: germline. Affected: no.

GeneDx
Classification: Likely benign. Last evaluated: 2020-12-31. Review status: criteria provided, single submitter. Criteria: GeneDx Variant Classification Process June 2021. Collection method: clinical testing. Allele origin: germline. Affected: yes.

NM_145207.3(AFG2A):c.1159C>T (p.Pro387Ser)

Gene: AFG2A (AAA ATPase AFG2A; plus strand). Cytogenetic location: 4q28.1.
Variant type: single nucleotide variant.
Coding change: c.1159C>T on transcript NM_145207.3 (MANE Select); coding-DNA position 1159, C replaced by T.
Protein change: p.Pro387Ser; replaces proline 387 with serine.
Molecular consequence: missense variant.
Genome position (GRCh38, 1-based): chr4:122,935,725, C>T. VCF-style: chr4-122935725-C-T. GRCh37 (hg19) VCF-style: chr4-123856880-C-T.
Other names: p.P387S:CCT>TCT; c.1156C>T, p.Pro386Ser (NM_001317799.2, NM_001345856.2); short protein forms P387S, P386S.
Identifiers: ClinVar variation 203535 (VCV000203535.52), dbSNP rs201751275, ClinGen allele CA312167.